The following is an entry in ClinVar:

NM_001376.5(DYNC1H1):c.3993C>T (p.Gly1331=)

Gene: DYNC1H1 (dynein cytoplasmic 1 heavy chain 1; plus strand). Cytogenetic location: 14q32.31.
Variant type: single nucleotide variant.
Coding change: c.3993C>T on transcript NM_001376.5 (MANE Select); coding-DNA position 3993, C replaced by T.
Protein change: p.Gly1331=; no amino-acid change (glycine 1331 retained).
Molecular consequence: synonymous variant.
Genome position (GRCh38, 1-based): chr14:102,000,318, C>T. VCF-style: chr14-102000318-C-T. GRCh37 (hg19) VCF-style: chr14-102466655-C-T.
Other names: p.Gly1331=.
Identifiers: ClinVar variation 128937 (VCV000128937.33), dbSNP rs17540957, ClinGen allele CA152644.

ClinVar aggregate classification (germline): Benign/Likely benign. Review status: criteria provided, multiple submitters, no conflicts (2 of 4 stars). 12 submissions from 11 submitters: Benign (10); Likely benign (1). 1 of the submissions does not count toward it. Last evaluated 2026-02-03.

Conditions:
Autosomal dominant cerebellar ataxia. Also called: Spinocerebellar Ataxia, Dominant. Identifiers: Orphanet 99, MedGen C4087347, MONDO:0020380.
Inborn genetic diseases. Identifiers: MedGen C0950123, MeSH D030342.
Charcot-Marie-Tooth disease. Also called: Charcot-Marie-Tooth Neuropathy; Charcot-Marie-Tooth Hereditary Neuropathy. Identifiers: Orphanet 166, MedGen C0007959, MONDO:0015626.
Autosomal dominant childhood-onset proximal spinal muscular atrophy without contractures. Also called: Spinal muscular atrophy, lower extremity-predominant 1, AD; SPINAL MUSCULAR ATROPHY, CHILDHOOD, PROXIMAL, AUTOSOMAL DOMINANT; KUGELBERG-WELANDER SYNDROME, AUTOSOMAL DOMINANT; SPINAL MUSCULAR ATROPHY, JUVENILE, PROXIMAL, AUTOSOMAL DOMINANT. Identifiers: Orphanet 209341, Orphanet 363447, MedGen C5780022, MONDO:0008026, OMIM 158600.
Cortical dysplasia, complex, with other brain malformations 13. Also called: Intellectual disability, autosomal dominant 13. Identifiers: MedGen C3281202, MONDO:0013805, OMIM 614563.
Charcot-Marie-Tooth disease axonal type 2O. Also called: CHARCOT-MARIE-TOOTH NEUROPATHY, AXONAL, TYPE 2O; CHARCOT-MARIE-TOOTH DISEASE, AXONAL, AUTOSOMAL DOMINANT, TYPE 2O; Charcot-Marie-Tooth Neuropathy Type 2O; Charcot-Marie-Tooth disease, axonal, type 20. Identifiers: Orphanet 284232, MedGen C3280220, MONDO:0013644, OMIM 614228.

Allele frequency attached by ClinVar (database versions not stated): gnomAD exomes 0.00381; ExAC 0.00467; gnomAD 0.01539 and 0.01643; 1000 Genomes Project 30x 0.01608; 1000 Genomes Project 0.01677; TOPMed 0.01718; ESP Exome Variant Server 0.01799.
gnomAD v4.1: 4,508 of 1,614,126 alleles (0.28%); highest among the groups gnomAD compares: African/African-American, 5.4%; 125 homozygotes.

Submissions (14):

Labcorp Genetics (formerly Invitae), Labcorp
Classification: Benign for Charcot-Marie-Tooth disease axonal type 2O. Last evaluated: 2026-02-03. Review status: criteria provided, single submitter. Criteria: Invitae Variant Classification Sherloc (09022015). Collection method: clinical testing. Allele origin: germline.

ARUP Laboratories, Molecular Genetics and Genomics, ARUP Laboratories
Classification: Benign. Last evaluated: 2024-09-17. Review status: criteria provided, single submitter. Criteria: ARUP Molecular Germline Variant Investigation Process 2024. Collection method: clinical testing. Allele origin: germline.

Fulgent Genetics
Classification: Likely benign for Autosomal dominant childhood-onset proximal spinal muscular atrophy without contractures; Charcot-Marie-Tooth disease axonal type 2O; Cortical dysplasia, complex, with other brain malformations 13. Last evaluated: 2021-11-05. Review status: criteria provided, single submitter. Criteria: ACMG Guidelines, 2015. Collection method: clinical testing. Allele origin: unknown.

Mayo Clinic Laboratories, Mayo Clinic
Classification: Benign. Last evaluated: 2018-05-31. Review status: criteria provided, single submitter. Criteria: ACMG Guidelines, 2015. Collection method: clinical testing. Allele origin: germline. Observed: 9 variant alleles.

Illumina Laboratory Services, Illumina
Classification: Benign for Spinocerebellar Ataxia, Dominant. Last evaluated: 2018-01-13. Review status: criteria provided, single submitter. Criteria: ICSL Variant Classification Criteria 13 December 2019. Collection method: clinical testing. Allele origin: germline.
Comment: This variant was observed in the ICSL laboratory as part of a predisposition screen in an ostensibly healthy population. It had not been previously curated by ICSL or reported in the Human Gene Mutation Database (HGMD: prior to June 1st, 2018), and was therefore a candidate for classification through an automated scoring system. Utilizing variant allele frequency, disease prevalence and penetrance estimates, and inheritance mode, an automated score was calculated to assess if this variant is too frequent to cause the disease. Based on the score and internal cut-off values, a variant classified as benign is not then subjected to further curation. The score for this variant resulted in a classification of benign for this disease.

Illumina Laboratory Services, Illumina
Classification: Benign for Charcot-Marie-Tooth disease axonal type 2O. Last evaluated: 2018-01-13. Review status: criteria provided, single submitter. Criteria: ICSL Variant Classification Criteria 13 December 2019. Collection method: clinical testing. Allele origin: germline.
Comment: the same text as in the submission from Illumina Laboratory Services, Illumina above.

Athena Diagnostics
Classification: Benign. Last evaluated: 2017-03-30. Review status: criteria provided, single submitter. Criteria: Athena Diagnostics Criteria. Collection method: clinical testing. Allele origin: germline.

Ambry Genetics
Classification: Benign for Inborn genetic diseases. Last evaluated: 2016-03-21. Review status: criteria provided, single submitter. Criteria: Ambry Variant Classification Scheme 2023. Collection method: clinical testing. Allele origin: germline.

GeneDx
Classification: Benign. Last evaluated: 2015-12-08. Review status: criteria provided, single submitter. Criteria: GeneDx Variant Classification (06012015). Collection method: clinical testing. Allele origin: germline. Affected: yes.
Comment: This variant is considered likely benign or benign based on one or more of the following criteria: it is a conservative change, it occurs at a poorly conserved position in the protein, it is predicted to be benign by multiple in silico algorithms, and/or has population frequency not consistent with disease.

Breakthrough Genomics
Classification: Benign. Review status: criteria provided, single submitter. Criteria: ACMG Guidelines, 2015. Collection method: not provided. Allele origin: germline. Inheritance: Autosomal dominant inheritance. Affected: yes.

Molecular Genetics Laboratory, London Health Sciences Centre
Classification: Benign for Charcot-Marie-Tooth disease. Review status: criteria provided, single submitter. Criteria: ACMG Guidelines, 2015. Collection method: clinical testing. Allele origin: germline. Affected: yes.

Dr. Peter K. Rogan Lab, Western University
No classification provided (evidence only). Condition: Lung cancer. Review status: no classification provided. Collection method: in vitro. Allele origin: not applicable. Functional consequence: retained intron. Not counted in ClinVar's aggregate classification.

Dr. Peter K. Rogan Lab, Western University
No classification provided (evidence only). Condition: Malignant tumor of esophagus. Review status: no classification provided. Collection method: in vitro. Allele origin: not applicable. Functional consequence: retained intron. Not counted in ClinVar's aggregate classification.

Genetic Services Laboratory, University of Chicago
Classification: Likely benign for AllHighlyPenetrant. Review status: no assertion criteria provided. Collection method: clinical testing. Allele origin: germline. Inheritance: Autosomal dominant inheritance. Not counted in ClinVar's aggregate classification.
Comment: Likely benign based on allele frequency in 1000 Genomes Project or ESP global frequency and its presence in a patient with a rare or unrelated disease phenotype. NOT Sanger confirmed.